The following is an entry in ClinVar:

ClinVar aggregate classification (germline): Uncertain significance. Review status: criteria provided, single submitter (1 of 4 stars). 3 submissions from 3 submitters: Uncertain significance (1). 2 of the submissions do not count toward it. Last evaluated 2019-02-01.

Conditions:
PKD1-related disorder. Also called: PKD1-related condition.
Polycystic kidney disease, adult type (PKD1). Also called: POLYCYSTIC KIDNEY DISEASE 1 WITH OR WITHOUT POLYCYSTIC LIVER DISEASE; POLYCYSTIC KIDNEY DISEASE, ADULT, TYPE I; Polycystic Kidney, Autosomal Dominant; Polycystic Kidney Disease 1, Autosomal Dominant; Polycystic kidney disease 1; Polycystic kidney disease 1, severe. Identifiers: MedGen C3149841, MONDO:0008263, OMIM 173900.

Allele frequency attached by ClinVar (database versions not stated): gnomAD exomes 0.00009 and 0.00013; TOPMed 0.00011; ExAC 0.00008; ESP Exome Variant Server 0.00008; gnomAD 0.00008 and 0.00009.
gnomAD v4.1: 136 of 1,609,934 alleles (0.0084%); highest among the groups gnomAD compares: South Asian, 0.04%; no homozygotes.

Submissions (3):

ARUP Laboratories, Molecular Genetics and Genomics, ARUP Laboratories
Classification: Uncertain significance for Polycystic kidney disease, adult type. Last evaluated: 2019-02-01. Review status: criteria provided, single submitter. Criteria: ARUP Molecular Germline Variant Investigation Process. Collection method: clinical testing. Allele origin: germline.
Comment: The PKD1 c.8372G>A; p.Arg2791Gln variant (rs367746233) is reported in the literature in an individual affected with ADPKD; however, it was not demonstrated to be disease-causing (Watnick 1997). This variant is reported as a likely neutral variant in the ADPKD Mutation Database, though the evidence for its classification is not provided. This variant is found in the general population with an overall allele frequency of 0.01% (33/274452 alleles) in the Genome Aggregation Database. The arginine at codon 2791 is weakly conserved, and computational analyses (SIFT, PolyPhen-2) predict that this variant is tolerated. However, due to limited information, the clinical significance of the Arg2791Gln variant is uncertain at this time. References: ADPKD Mutation Database: Watnick TJ et al. An unusual pattern of mutation in the duplicated portion of PKD1 is revealed by use of a novel strategy for mutation detection. Hum Mol Genet. 1997 Sep;6(9):1473-81.

PreventionGenetics, part of Exact Sciences
Classification: Uncertain significance for PKD1-related condition. Last evaluated: 2024-05-14. Review status: no assertion criteria provided. Collection method: clinical testing. Allele origin: germline. Not counted in ClinVar's aggregate classification.
Comment: The PKD1 c.8372G>A variant is predicted to result in the amino acid substitution p.Arg2791Gln. This variant was reported in an individual with autosomal dominant polycystic kidney disease (ADPKD) (Watnick et al. 1997. PubMed ID: 9285784). However, a later study showed that this substitution was among the variants that do not affect the pattern of polycystin-1 (the protein encoded by PKD1) cleavage, which is critical for the normal function of polycystin-1 (Qian et al. 2002. PubMed ID: 12482949). This variant is reported in 0.033% of alleles in individuals of South Asian descent in gnomAD. Although we suspect this variant is benign, at this time, the clinical significance of this variant is uncertain due to the absence of conclusive functional and genetic evidence.

Department of Pathology and Laboratory Medicine, Sinai Health System
Classification: Likely benign. Review status: no assertion criteria provided. Collection method: clinical testing. Allele origin: unknown. Affected: yes. Study: The Canadian Open Genetics Repository (COGR). Not counted in ClinVar's aggregate classification.
Comment: The PKD1 p.Arg2791Gln variant was identified in 1 of 160 proband chromosomes (frequency: 0.00625) from an individual with autosomal dominant polycystic kidney disease and was not identified in 100 control chromosomes from healthy individuals (Watnick_1997_PMID:9285784). The variant was identified in dbSNP (ID: rs367746233) and ClinVar (classified as uncertain significance by ARUP Laboratories by polycystic kidney disease). The variant was identified in control databases in 33 of 274452 chromosomes at a frequency of 0.0001202 (Genome Aggregation Database March 6, 2019, v2.1.1). The variant was observed in the following populations: South Asian in 10 of 30536 chromosomes (freq: 0.000328), Other in 2 of 7010 chromosomes (freq: 0.000285), Latino in 7 of 35190 chromosomes (freq: 0.000199), African in 3 of 22952 chromosomes (freq: 0.000131), Ashkenazi Jewish in 1 of 10114 chromosomes (freq: 0.000099), European (non-Finnish) in 9 of 124260 chromosomes (freq: 0.000072) and European (Finnish) in 1 of 24886 chromosomes (freq: 0.00004), but was not observed in the East Asian population. In addition we cannot be certain that data from control databases is specific to PKD1 and not from one of the six PKD1 pseudogenes.The p.Arg2791 residue is not conserved in mammals and computational analyses (PolyPhen-2, SIFT, AlignGVGD, BLOSUM, MutationTaster) do not suggest a high likelihood of impact to the protein; however, this information is not predictive enough to rule out pathogenicity. The variant occurs outside of the splicing consensus sequence and 2 of 4 in silico or computational prediction software programs (SpliceSiteFinder, MaxEntScan, NNSPLICE, GeneSplicer) predict a greater than 10% difference in splicing; this is not very predictive of pathogenicity. Functional evidence from a series of expression constructs with this variant showed no effect on polycystin-1 cleavage, while other amino acid substitutions from different variants almost completely inhibited polycystin-1 cleavage (Qian_2002_PMID:12482949). In summary, based on the above information the clinical significance of this variant cannot be determined with certainty at this time although we would lean towards a more benign role for this variant. This variant is classified as likely benign.

NM_001009944.3(PKD1):c.8372G>A (p.Arg2791Gln)

Gene: PKD1 (polycystin 1, transient receptor potential channel interacting; minus strand). Cytogenetic location: 16p13.3.
Variant type: single nucleotide variant.
Coding change: c.8372G>A on transcript NM_001009944.3 (MANE Select); coding-DNA position 8372, G replaced by A.
Protein change: p.Arg2791Gln; replaces arginine 2791 with glutamine.
Molecular consequence: missense variant.
Genome position (GRCh38, 1-based): chr16:2,103,685, C>T on the plus strand (G>A on the coding strand, the complement: PKD1 is on the minus strand). VCF-style: chr16-2103685-C-T. GRCh37 (hg19) VCF-style: chr16-2153686-C-T.
Other names: c.8372G>A (NM_001009944.2); c.8372G>A, p.Arg2791Gln (NM_000296.4); short protein forms R2791Q.
Identifiers: ClinVar variation 811282 (VCV000811282.10), dbSNP rs367746233, ClinGen allele CA7830540.